The following is an entry in ClinVar:

NM_024079.5(ALG8):c.1349+5T>C

Gene: ALG8 (ALG8 alpha-1,3-glucosyltransferase; minus strand). Cytogenetic location: 11q14.1.
Variant type: single nucleotide variant.
Coding change: c.1349+5T>C on transcript NM_024079.5 (MANE Select); 5 bases into the intron after coding-DNA position 1349, T replaced by C.
Molecular consequence: intron variant.
Genome position (GRCh38, 1-based): chr11:78,103,975, A>G on the plus strand (T>C on the coding strand, the complement: ALG8 is on the minus strand). VCF-style: chr11-78103975-A-G. GRCh37 (hg19) VCF-style: chr11-77815021-A-G.
Other names: c.1349+5T>C (NM_001007027.3).
Identifiers: ClinVar variation 306212 (VCV000306212.12), dbSNP rs886048685, ClinGen allele CA10639470.

ClinVar aggregate classification (germline): Uncertain significance. Review status: criteria provided, multiple submitters, no conflicts (2 of 4 stars). 4 submissions from 4 submitters: Uncertain significance (4). Last evaluated 2024-07-08.

Conditions:
ALG8 congenital disorder of glycosylation. Also called: CONGENITAL DISORDER OF GLYCOSYLATION, TYPE Ih; CDG Ih; ALG8-CDG. Identifiers: Orphanet 79325, MedGen C2931002, MONDO:0011969, OMIM 608104.
Polycystic liver disease 3 with or without kidney cysts. Identifiers: MedGen C4693472, MONDO:0054743, OMIM 617874.
Inborn genetic diseases. Identifiers: MedGen C0950123, MeSH D030342.

Allele frequency attached by ClinVar (database versions not stated): gnomAD exomes below 0.00001 and 0.00003; TOPMed 0.00005; gnomAD 0.00007.
gnomAD v4.1: 48 of 1,438,494 alleles (0.0033%); highest among the groups gnomAD compares: Non-Finnish European, 0.0042%; no homozygotes.

Submissions (4):

Labcorp Genetics (formerly Invitae), Labcorp
Classification: Uncertain significance for ALG8 congenital disorder of glycosylation. Last evaluated: 2024-07-08. Review status: criteria provided, single submitter. Criteria: Invitae Variant Classification Sherloc (09022015). Collection method: clinical testing. Allele origin: germline.
Comment: This sequence change falls in intron 12 of the ALG8 gene. It does not directly change the encoded amino acid sequence of the ALG8 protein. It affects a nucleotide within the consensus splice site. The frequency data for this variant in the population databases is considered unreliable, as metrics indicate poor data quality at this position in the gnomAD database. This variant has not been reported in the literature in individuals affected with ALG8-related conditions. ClinVar contains an entry for this variant (Variation ID: 306212). Variants that disrupt the consensus splice site are a relatively common cause of aberrant splicing (PMID: 17576681, 9536098). Algorithms developed to predict the effect of sequence changes on RNA splicing suggest that this variant is not likely to affect RNA splicing. In summary, the available evidence is currently insufficient to determine the role of this variant in disease. Therefore, it has been classified as a Variant of Uncertain Significance.

Ambry Genetics
Classification: Uncertain significance for Inborn genetic diseases. Last evaluated: 2022-03-07. Review status: criteria provided, single submitter. Criteria: Ambry Variant Classification Scheme 2023. Collection method: clinical testing. Allele origin: germline.
Comment: The c.1349+5T>C intronic alteration consists of a T to C substitution 5 nucleotides after exon 12 of the ALG8 gene. Based on insufficient or conflicting evidence, the clinical significance of this alteration remains unclear.

Fulgent Genetics
Classification: Uncertain significance for ALG8 congenital disorder of glycosylation; Polycystic liver disease 3 with or without kidney cysts. Last evaluated: 2022-01-19. Review status: criteria provided, single submitter. Criteria: ACMG Guidelines, 2015. Collection method: clinical testing. Allele origin: unknown.

Illumina Laboratory Services, Illumina
Classification: Uncertain significance for ALG8 congenital disorder of glycosylation. Last evaluated: 2018-01-13. Review status: criteria provided, single submitter. Criteria: ICSL Variant Classification Criteria 13 December 2019. Collection method: clinical testing. Allele origin: germline.

Literature cited by the submitters: PubMed 17576681 (cited by Labcorp Genetics (formerly Invitae), Labcorp); PubMed 9536098 (cited by Labcorp Genetics (formerly Invitae), Labcorp).